The following is an entry in ClinVar:

ClinVar aggregate classification (germline): Uncertain significance (1 of 4 stars; one submission).

Conditions:
STARD9-related disorder. Also called: STARD9-related condition.

Allele frequency attached by ClinVar (database versions not stated): gnomAD exomes below 0.00001.
gnomAD v4.1: 3 of 1,537,114 alleles (0.0002%); highest among the groups gnomAD compares: Middle Eastern, 0.017%; no homozygotes.

Submission:

PreventionGenetics, part of Exact Sciences
Classification: Uncertain significance for STARD9-related condition. Last evaluated: 2026-07-31. Review status: criteria provided, single submitter. Criteria: ACMG Guidelines, 2015. Collection method: clinical testing. Allele origin: germline.
Comment: The STARD9 c.10897A>G variant is predicted to result in the amino acid substitution p.Thr3633Ala. To our knowledge, this variant has not been reported in the literature or in a large population database (gnomAD), indicating this variant is rare. At this time, the clinical significance of this variant is uncertain due to the absence of conclusive functional and genetic evidence.

NM_020759.3(STARD9):c.10897A>G (p.Thr3633Ala)

Gene: STARD9 (StAR related lipid transfer domain containing 9; plus strand). Cytogenetic location: 15q15.2.
Variant type: single nucleotide variant.
Coding change: c.10897A>G on transcript NM_020759.3 (MANE Select); coding-DNA position 10897, A replaced by G.
Protein change: p.Thr3633Ala; replaces threonine 3633 with alanine.
Molecular consequence: missense variant.
Genome position (GRCh38, 1-based): chr15:42,692,475, A>G. VCF-style: chr15-42692475-A-G. GRCh37 (hg19) VCF-style: chr15-42984673-A-G.
Other names: short protein forms T3633A.
Identifiers: ClinVar variation 3031673 (VCV003031673.3), dbSNP rs2505884789, ClinGen allele CA392078404.